The following is an entry in ClinVar:

NM_000256.3(MYBPC3):c.292G>C (p.Glu98Gln)

Gene: MYBPC3 (myosin binding protein C3; minus strand). Cytogenetic location: 11p11.2.
Variant type: single nucleotide variant.
Coding change: c.292G>C on transcript NM_000256.3 (MANE Select); coding-DNA position 292, G replaced by C.
Protein change: p.Glu98Gln; replaces glutamic acid 98 with glutamine.
Molecular consequence: missense variant.
Genome position (GRCh38, 1-based): chr11:47,351,239, C>G on the plus strand (G>C on the coding strand, the complement: MYBPC3 is on the minus strand). VCF-style: chr11-47351239-C-G. GRCh37 (hg19) VCF-style: chr11-47372790-C-G.
Other names: c.292G>C, p.Glu98Gln (LRG_386t1); short protein forms E98Q.
Identifiers: ClinVar variation 407337 (VCV000407337.12), dbSNP rs868819340, ClinGen allele CA16613414.

ClinVar aggregate classification (germline): Uncertain significance. Review status: criteria provided, multiple submitters, no conflicts (2 of 4 stars). 3 submissions from 3 submitters: Uncertain significance (3). Last evaluated 2025-06-29.

Conditions:
Hypertrophic cardiomyopathy. Also called: HYPERTROPHIC MYOCARDIOPATHY. Identifiers: Orphanet 217569, MedGen C0007194, MeSH D002312, MONDO:0005045, HP:0001639.
Cardiovascular phenotype. Identifiers: MedGen CN230736.

Submissions (3):

Labcorp Genetics (formerly Invitae), Labcorp
Classification: Uncertain significance for Hypertrophic cardiomyopathy. Last evaluated: 2025-06-29. Review status: criteria provided, single submitter. Criteria: Invitae Variant Classification Sherloc (09022015). Collection method: clinical testing. Allele origin: germline.
Comment: This sequence change replaces glutamic acid, which is acidic and polar, with glutamine, which is neutral and polar, at codon 98 of the MYBPC3 protein (p.Glu98Gln). This variant also falls at the last nucleotide of exon 2, which is part of the consensus splice site for this exon. This variant is not present in population databases (gnomAD no frequency). This missense change has been observed in individuals with hypertrophic cardiomyopathy (PMID: 30297972, 37652022; internal data). ClinVar contains an entry for this variant (Variation ID: 407337). An algorithm developed to predict the effect of missense changes on protein structure and function (PolyPhen-2) suggests that this variant is likely to be tolerated. Variants that disrupt the consensus splice site are a relatively common cause of aberrant splicing (PMID: 17576681, 9536098). Algorithms developed to predict the effect of sequence changes on RNA splicing suggest that this variant may disrupt the consensus splice site. In summary, the available evidence is currently insufficient to determine the role of this variant in disease. Therefore, it has been classified as a Variant of Uncertain Significance.

Ambry Genetics
Classification: Uncertain significance for Cardiovascular phenotype. Last evaluated: 2023-10-28. Review status: criteria provided, single submitter. Criteria: Ambry Variant Classification Scheme 2023. Collection method: clinical testing. Allele origin: germline.
Comment: The p.E98Q variant (also known as c.292G>C), located in coding exon 2 of the MYBPC3 gene, results from a G to C substitution at nucleotide position 292. The amino acid change results in glutamic acid to glutamine at codon 98, an amino acid with highly similar properties. However, this change occurs in the last base pair of coding exon 2, which makes it likely to have some effect on normal mRNA splicing. This alteration has been reported in a hypertrophic cardiomyopathy registry cohort; however, clinical details were limited (Ho CY et al. Circulation, 2018 Oct;138:1387-1398). This nucleotide position is highly conserved in available vertebrate species. This amino acid position is well conserved in available vertebrate species. In silico splice site analysis predicts that this alteration will result in the creation or strengthening of a novel splice donor site. In addition, as a missense substitution this is predicted to be tolerated by in silico analysis. Since supporting evidence is limited at this time, the clinical significance of this alteration remains unclear.

GeneDx
Classification: Uncertain significance. Last evaluated: 2018-11-01. Review status: criteria provided, single submitter. Criteria: GeneDx Variant Classification Process June 2021. Collection method: clinical testing. Allele origin: germline. Affected: yes.
Comment: Variant was reported in association with HCM, although further details were not provided (Carrier et al, 2007); Not observed in large population cohorts (Lek et al., 2016); At the protein level, in silico analysis, which includes protein predictors and evolutionary conservation, supports that this variant does not alter protein structure/function; At the mRNA level, variant occurs in the last nucleotide position of exon 2. However, in silico splice algorithms do not predict an effect on splicing. In the absence of RNA/functional studies, the actual effect of this sequence change is unknown.; Reported in ClinVar as a variant of uncertain significance but additional evidence is not available (ClinVar Variant ID 407337; Landrum et al., 2016); This variant is associated with the following publications: (PMID: 30297972, 17536430)

Literature cited by the submitters: PubMed 30297972 (cited by Labcorp Genetics (formerly Invitae), Labcorp and Ambry Genetics); PubMed 37652022 (cited by Labcorp Genetics (formerly Invitae), Labcorp); PubMed 17576681 (cited by Labcorp Genetics (formerly Invitae), Labcorp); PubMed 9536098 (cited by Labcorp Genetics (formerly Invitae), Labcorp).